The following is an entry in ClinVar:

ClinVar aggregate classification (germline): Conflicting classifications of pathogenicity. Review status: criteria provided, conflicting classifications (1 of 4 stars). 2 submissions from 2 submitters: Uncertain significance (1); Likely benign (1). Last evaluated 2025-12-31.

Conditions:
Hereditary cancer-predisposing syndrome. Also called: Neoplastic Syndromes, Hereditary; Hereditary Cancer Syndrome; Hereditary neoplastic syndrome; Tumor predisposition. Identifiers: Orphanet 140162, MedGen C0027672, MeSH D009386, MONDO:0015356.
Familial meningioma. Also called: Meningioma, familial, susceptibility to. Identifiers: Orphanet 263662, MedGen C3551915, MONDO:0011789, OMIM 607174.

Allele frequency attached by ClinVar (database versions not stated): gnomAD exomes below 0.00001 and 0.00001; ExAC 0.00002; TOPMed 0.00003; gnomAD 0.00005 and 0.00006.
gnomAD v4.1: 11 of 1,613,526 alleles (0.00068%); highest among the groups gnomAD compares: African/African-American, 0.015%; no homozygotes.

Submissions (2):

Labcorp Genetics (formerly Invitae), Labcorp
Classification: Uncertain significance for Familial meningioma. Last evaluated: 2025-12-31. Review status: criteria provided, single submitter. Criteria: Invitae Variant Classification Sherloc (09022015). Collection method: clinical testing. Allele origin: germline.
Comment: This sequence change replaces alanine, which is neutral and non-polar, with valine, which is neutral and non-polar, at codon 378 of the SMARCE1 protein (p.Ala378Val). This variant is present in population databases (rs771281023, gnomAD 0.02%). This variant has not been reported in the literature in individuals affected with SMARCE1-related conditions. ClinVar contains an entry for this variant (Variation ID: 463418). Invitae Evidence Modeling of protein sequence and biophysical properties (such as structural, functional, and spatial information, amino acid conservation, physicochemical variation, residue mobility, and thermodynamic stability) indicates that this missense variant is not expected to disrupt SMARCE1 protein function with a negative predictive value of 80%. In summary, the available evidence is currently insufficient to determine the role of this variant in disease. Therefore, it has been classified as a Variant of Uncertain Significance.

Ambry Genetics
Classification: Likely benign for Hereditary cancer-predisposing syndrome. Last evaluated: 2024-11-21. Review status: criteria provided, single submitter. Criteria: Ambry Variant Classification Scheme 2023. Collection method: clinical testing. Allele origin: germline.

NM_003079.5(SMARCE1):c.1133C>T (p.Ala378Val)

Gene: SMARCE1 (SWI/SNF related BAF chromatin remodeling complex subunit E1; minus strand). Cytogenetic location: 17q21.2.
Variant type: single nucleotide variant.
Coding change: c.1133C>T on transcript NM_003079.5 (MANE Select); coding-DNA position 1133, C replaced by T.
Protein change: p.Ala378Val; replaces alanine 378 with valine.
Molecular consequence: missense variant.
Genome position (GRCh38, 1-based): chr17:40,628,888, G>A on the plus strand (C>T on the coding strand, the complement: SMARCE1 is on the minus strand). VCF-style: chr17-40628888-G-A. GRCh37 (hg19) VCF-style: chr17-38785140-G-A.
Other names: short protein forms A378V.
Identifiers: ClinVar variation 463418 (VCV000463418.12), dbSNP rs771281023, ClinGen allele CA8545056.